The following is an entry in ClinVar:

ClinVar aggregate classification (germline): Uncertain significance (1 of 4 stars; one submission).

Conditions:
Hyperkalemic periodic paralysis. Also called: Familial hyperkalemic periodic paralysis; Gamstorp disease. Identifiers: Orphanet 682, MedGen C0238357, MONDO:0008224, OMIM 170500, HP:0007215.

Submission:

Labcorp Genetics (formerly Invitae), Labcorp
Classification: Uncertain significance for Hyperkalemic periodic paralysis. Last evaluated: 2019-08-31. Review status: criteria provided, single submitter. Criteria: Invitae Variant Classification Sherloc (09022015). Collection method: clinical testing. Allele origin: germline.
Comment: This variant has not been reported in the literature in individuals with SCN4A-related conditions. This variant is not present in population databases (ExAC no frequency). This sequence change replaces proline with leucine at codon 851 of the SCN4A protein (p.Pro851Leu). The proline residue is moderately conserved and there is a moderate physicochemical difference between proline and leucine. Algorithms developed to predict the effect of missense changes on protein structure and function (SIFT, PolyPhen-2, Align-GVGD) all suggest that this variant is likely to be tolerated, but these predictions have not been confirmed by published functional studies and their clinical significance is uncertain. In summary, the available evidence is currently insufficient to determine the role of this variant in disease. Therefore, it has been classified as a Variant of Uncertain Significance.

NM_000334.4(SCN4A):c.2552C>T (p.Pro851Leu)

Genes: GH-LCR (growth hormone locus control region; plus strand), SCN4A (sodium voltage-gated channel alpha subunit 4; minus strand). Cytogenetic location: 17q23.3.
Variant type: single nucleotide variant.
Coding change: c.2552C>T on transcript NM_000334.4 (MANE Select); coding-DNA position 2552, C replaced by T.
Protein change: p.Pro851Leu; replaces proline 851 with leucine.
Molecular consequence: missense variant.
Genome position (GRCh38, 1-based): chr17:63,951,725, G>A on the plus strand (C>T on the coding strand, the complement: SCN4A is on the minus strand). VCF-style: chr17-63951725-G-A. GRCh37 (hg19) VCF-style: chr17-62029085-G-A.
Other names: short protein forms P851L.
Identifiers: ClinVar variation 934326 (VCV000934326.10), dbSNP rs1908920258, ClinGen allele CA400626756.